The following is an entry in ClinVar:

ClinVar aggregate classification (germline): Likely benign. Review status: criteria provided, multiple submitters, no conflicts (2 of 4 stars). 3 submissions from 3 submitters: Likely benign (3). Last evaluated 2025-11-26.

Allele frequency attached by ClinVar (database versions not stated): gnomAD 0.00002 and 0.00003; TOPMed 0.00007; gnomAD exomes 0.00010; ExAC 0.00013.
gnomAD v4.1: 210 of 1,613,062 alleles (0.013%); highest among the groups gnomAD compares: Middle Eastern, 0.66%; 2 homozygotes.

Submissions (3):

Women's Health and Genetics/Laboratory Corporation of America, LabCorp
Classification: Likely benign. Last evaluated: 2025-11-26. Review status: criteria provided, single submitter. Criteria: LabCorp Variant Classification Summary - May 2015. Collection method: clinical testing. Allele origin: germline.
Comment: Variant summary: PLEKHG5 c.*12C>T is located in the untranslated mRNA region downstream of the termination codon. The variant allele was found at a frequency of 0.00013 in 1613062 control chromosomes in the gnomAD database, including 2 homozygotes. The variant was reported at a frequency of 0.006577 including 1 homozygote in the Middle Eastern population in gnomad v4, which is higher than estimated for disease-causing variants in PLEKHG5, suggesting the variant is benign. To our knowledge, no occurrence of c.*12C>T in individuals affected with PLEKHG5-related conditions and no experimental evidence demonstrating its impact on protein function have been reported. ClinVar contains an entry for this variant (Variation ID: 1211891). Based on the evidence outlined above, the variant was classified as likely benign.

GeneDx
Classification: Likely benign. Last evaluated: 2017-07-31. Review status: criteria provided, single submitter. Criteria: GeneDx Variant Classification Process June 2021. Collection method: clinical testing. Allele origin: germline. Affected: yes.

Breakthrough Genomics
Classification: Likely benign. Review status: criteria provided, single submitter. Criteria: ACMG Guidelines, 2015. Collection method: not provided. Allele origin: germline. Inheritance: Autosomal recessive inheritance. Affected: yes.

NM_020631.6(PLEKHG5):c.*12C>T

Gene: PLEKHG5 (pleckstrin homology and RhoGEF domain containing G5; minus strand). Cytogenetic location: 1p36.31.
Variant type: single nucleotide variant.
Coding change: c.*12C>T on transcript NM_020631.6 (MANE Select); 12 bases downstream of the stop codon, C replaced by T.
Molecular consequence: 3 prime UTR variant.
Genome position (GRCh38, 1-based): chr1:6,467,551, G>A on the plus strand (C>T on the coding strand, the complement: PLEKHG5 is on the minus strand). VCF-style: chr1-6467551-G-A. GRCh37 (hg19) VCF-style: chr1-6527611-G-A.
Other names: c.*12C>T (NM_001042663.3, NM_001042664.2, NM_001042665.2 and 3 more transcripts); c.*40C>T (NM_001265594.3).
Identifiers: ClinVar variation 1211891 (VCV001211891.5), dbSNP rs771326239, ClinGen allele CA561031.
Genomic context (GRCh38, chr1:6,467,551, plus strand): 5'-TGCCGGCACGCCCCAGGAGGCAGGCTGTCTGCTGTCTCTTGGTCAATGGCACTCTTGGGG[G>A]CCTCCCTCTGCTCAGACCTCCCTACAGGGTGGGGAGGGGACAGAGTCCTTCTTTGGCTGA-3'